The following is an entry in ClinVar:

NM_003873.7(NRP1):c.902G>A (p.Trp301Ter)

Gene: NRP1 (neuropilin 1; minus strand). Cytogenetic location: 10p11.22.
Variant type: single nucleotide variant.
Coding change: c.902G>A on transcript NM_003873.7 (MANE Select); coding-DNA position 902, G replaced by A.
Protein change: p.Trp301Ter; replaces tryptophan 301 with a stop codon.
Molecular consequence: nonsense. On other transcripts: non-coding transcript variant (1).
Genome position (GRCh38, 1-based): chr10:33,254,107, C>T on the plus strand (G>A on the coding strand, the complement: NRP1 is on the minus strand). VCF-style: chr10-33254107-C-T. GRCh37 (hg19) VCF-style: chr10-33543035-C-T.
Other names: c.902G>A, p.Trp301Ter (NM_001024628.3, NM_001024629.3, NM_001244972.2 and 2 more transcripts); short protein forms W301*.
Identifiers: ClinVar variation 4991813 (VCV004991813.1).

ClinVar aggregate classification (germline): Uncertain significance (1 of 4 stars; one submission).

Conditions:
NRP1-related disorder. Also called: NRP1-related condition.

Submission:

PreventionGenetics, part of Exact Sciences
Classification: Uncertain significance for NRP1-related condition. Last evaluated: 2026-01-13. Review status: criteria provided, single submitter. Criteria: ACMG Guidelines, 2015. Collection method: clinical testing. Allele origin: germline.
Comment: The NRP1 c.902G>A variant is predicted to result in premature protein termination (p.Trp301*). To our knowledge, this variant has not been reported in the literature or in a large population database (gnomAD), indicating this variant is rare. At this time, the clinical significance of this variant is uncertain due to the absence of conclusive functional and genetic evidence.